The following is an entry in ClinVar:

NM_003504.5(CDC45):c.166C>A (p.Gln56Lys)

Gene: CDC45 (cell division cycle 45; plus strand). Cytogenetic location: 22q11.21.
Variant type: single nucleotide variant.
Coding change: c.166C>A on transcript NM_003504.5 (MANE Select); coding-DNA position 166, C replaced by A.
Protein change: p.Gln56Lys; replaces glutamine 56 with lysine.
Molecular consequence: missense variant. On other transcripts: non-coding transcript variant (1).
Genome position (GRCh38, 1-based): chr22:19,481,007, C>A. VCF-style: chr22-19481007-C-A. GRCh37 (hg19) VCF-style: chr22-19468530-C-A.
Other names: c.166C>A, p.Gln56Lys (NM_001178010.2, NM_001178011.2); c.130C>A, p.Gln44Lys (NM_001369291.1); short protein forms Q44K, Q56K.
Identifiers: ClinVar variation 1019061 (VCV001019061.8), dbSNP rs1264224614, ClinGen allele CA410679489.

ClinVar aggregate classification (germline): Uncertain significance (1 of 4 stars; one submission).

Allele frequency attached by ClinVar (database versions not stated): gnomAD exomes below 0.00001; gnomAD 0.00001; TOPMed 0.00002.
gnomAD v4.1: 3 of 1,613,526 alleles (0.00019%); highest among the groups gnomAD compares: Non-Finnish European, 0.00025%; no homozygotes.

Submission:

Labcorp Genetics (formerly Invitae), Labcorp
Classification: Uncertain significance. Last evaluated: 2020-06-02. Review status: criteria provided, single submitter. Criteria: Invitae Variant Classification Sherloc (09022015). Collection method: clinical testing. Allele origin: germline.
Comment: This variant has not been reported in the literature in individuals with CDC45-related conditions. This variant is not present in population databases (ExAC no frequency). Algorithms developed to predict the effect of missense changes on protein structure and function are either unavailable or do not agree on the potential impact of this missense change (SIFT: "Tolerated"; PolyPhen-2: "Possibly Damaging"; Align-GVGD: "Class C0"). In summary, the available evidence is currently insufficient to determine the role of this variant in disease. Therefore, it has been classified as a Variant of Uncertain Significance. This sequence change replaces glutamine with lysine at codon 56 of the CDC45 protein (p.Gln56Lys). The glutamine residue is highly conserved and there is a small physicochemical difference between glutamine and lysine.